The following is an entry in ClinVar:

ClinVar aggregate classification (germline): Likely pathogenic (1 of 4 stars; one submission).

Submission:

Dasa
Classification: Likely pathogenic. Last evaluated: 2026-03-31. Review status: criteria provided, single submitter. Criteria: DASA Assertion Criteria. Collection method: clinical testing. Allele origin: germline.
Comment: NM_001372.4(DNAH9):c.10996dup (p.Val3666Glyfs*55) is a frameshift variant in DNAH9 predicted to alter the reading frame and introduce a premature termination codon and is predicted to result in an absent or altered protein product. Loss of function is an established disease mechanism for DNAH9-associated disorders. Also, this variant is absent from population databases. Based on the currently available evidence, this variant is classified as likely pathogenic.

NM_001372.4(DNAH9):c.10996dup (p.Val3666fs)

Gene: DNAH9 (dynein axonemal heavy chain 9; plus strand). Cytogenetic location: 17p12.
Variant type: Duplication.
Coding change: c.10996dup on transcript NM_001372.4 (MANE Select); coding-DNA position 10996, one base duplicated (G; older notation c.10996dupG).
Protein change: p.Val3666fs; shifts the reading frame from valine 3666.
Molecular consequence: frameshift variant. On other transcripts: 5 prime UTR variant (1).
Genome position (GRCh38, 1-based): chr17:11,886,849, G duplicated. VCF-style (leftmost placement, unchanged base first): chr17-11886848-A-AG. GRCh37 (hg19) VCF-style: chr17-11790165-A-AG.
Other names: c.-69dup (NM_004662.2); short protein forms V3666fs.
Identifiers: ClinVar variation 4880634 (VCV004880634.2).